The following is an entry in ClinVar:

ClinVar aggregate classification (germline): Uncertain significance (1 of 4 stars; one submission).

Conditions:
Infantile-onset ascending hereditary spastic paralysis (IAHSP). Also called: Infantile-Onset Ascending Hereditary Spastic Paralysis (IAHSP); Autosomal Recessive Juvenile Amyotrophic Lateral Sclerosis. Identifiers: Orphanet 293168, MedGen C2931441, MONDO:0011797, OMIM 607225. Disease mechanism: loss of function.

gnomAD v4.1: 15 of 1,613,768 alleles (0.00093%); highest among the groups gnomAD compares: Non-Finnish European, 0.0012%; no homozygotes.

Submission:

Labcorp Genetics (formerly Invitae), Labcorp
Classification: Uncertain significance for Infantile-onset ascending hereditary spastic paralysis. Last evaluated: 2021-06-17. Review status: criteria provided, single submitter. Criteria: Invitae Variant Classification Sherloc (09022015). Collection method: clinical testing. Allele origin: germline.
Comment: This sequence change replaces proline with arginine at codon 79 of the ALS2 protein (p.Pro79Arg). The proline residue is weakly conserved and there is a moderate physicochemical difference between proline and arginine. This variant is not present in population databases (ExAC no frequency). This variant has not been reported in the literature in individuals with ALS2-related conditions. Algorithms developed to predict the effect of missense changes on protein structure and function (SIFT, PolyPhen-2, Align-GVGD) all suggest that this variant is likely to be tolerated, but these predictions have not been confirmed by published functional studies and their clinical significance is uncertain. In summary, the available evidence is currently insufficient to determine the role of this variant in disease. Therefore, it has been classified as a Variant of Uncertain Significance.

NM_020919.4(ALS2):c.236C>G (p.Pro79Arg)

Gene: ALS2 (alsin Rho guanine nucleotide exchange factor ALS2; minus strand). Cytogenetic location: 2q33.1.
Variant type: single nucleotide variant.
Coding change: c.236C>G on transcript NM_020919.4 (MANE Select); coding-DNA position 236, C replaced by G.
Protein change: p.Pro79Arg; replaces proline 79 with arginine.
Molecular consequence: missense variant.
Genome position (GRCh38, 1-based): chr2:201,761,758, G>C on the plus strand (C>G on the coding strand, the complement: ALS2 is on the minus strand). VCF-style: chr2-201761758-G-C. GRCh37 (hg19) VCF-style: chr2-202626481-G-C.
Other names: c.236C>G, p.Pro79Arg (NM_001135745.2); short protein forms P79R.
Identifiers: ClinVar variation 1522741 (VCV001522741.8), dbSNP rs1346805773, ClinGen allele CA350329292.